The following is an entry in ClinVar:

NM_001127649.3(PEX26):c.815-13C>T

Gene: PEX26 (peroxisomal biogenesis factor 26; plus strand). Cytogenetic location: 22q11.21.
Variant type: single nucleotide variant.
Coding change: c.815-13C>T on transcript NM_001127649.3 (MANE Select); 13 bases into the intron before coding-DNA position 815, C replaced by T.
Molecular consequence: intron variant.
Genome position (GRCh38, 1-based): chr22:18,087,959, C>T. VCF-style: chr22-18087959-C-T. GRCh37 (hg19) VCF-style: chr22-18570725-C-T.
Other names: c.815-13C>T (NM_017929.6); c.668-13C>T (NM_001199319.2).
Identifiers: ClinVar variation 340755 (VCV000340755.19), dbSNP rs139370593, ClinGen allele CA10093426.
Genomic context (GRCh38, chr22:18,087,959, plus strand): 5'-CCCAGGGTGGGAGATGGCAGAGTGACAGGTGAGAGGGGTGGGACGTTCACTGTAGTCTCC[C>T]TCTGCCCTGCAGCTTCCCCTTCCTCCCTGCACTTCCTCTACAAGCTGGCCCAGCTCTTCC-3'

ClinVar aggregate classification (germline): Benign/Likely benign. Review status: criteria provided, multiple submitters, no conflicts (2 of 4 stars). 6 submissions from 6 submitters: Benign (1); Likely benign (5). Last evaluated 2026-02-01.

Conditions:
Peroxisome biogenesis disorder 7A (Zellweger). Also called: Peroxisome biogenesis disorder 7A. Identifiers: Orphanet 912, MedGen C3888385, MONDO:0013938, OMIM 614872.
Peroxisome biogenesis disorder 7B (PBD7B). Identifiers: Orphanet 44, MedGen C3553951, MONDO:0013939, OMIM 614873.

Allele frequency attached by ClinVar (database versions not stated): gnomAD exomes 0.00109; ExAC 0.00138; ESP Exome Variant Server 0.00346; gnomAD 0.00366 and 0.00381; TOPMed 0.00366; 1000 Genomes Project 30x 0.00375; 1000 Genomes Project 0.00419.

Submissions (6):

Labcorp Genetics (formerly Invitae), Labcorp
Classification: Benign for Peroxisome biogenesis disorder 7A (Zellweger); Peroxisome biogenesis disorder 7B. Last evaluated: 2026-02-01. Review status: criteria provided, single submitter. Criteria: Invitae Variant Classification Sherloc (09022015). Collection method: clinical testing. Allele origin: germline.

Genomic Medicine Center of Excellence, King Faisal Specialist Hospital and Research Centre
Classification: Likely benign. Last evaluated: 2025-08-18. Review status: criteria provided, single submitter. Criteria: ACMG Guidelines, 2015. Collection method: clinical testing. Allele origin: germline.

Blueprint Genetics
Classification: Likely benign. Last evaluated: 2024-11-26. Review status: criteria provided, single submitter. Criteria: ACMG Guidelines, 2015. Collection method: clinical testing. Allele origin: germline.

GeneDx
Classification: Likely benign. Last evaluated: 2020-08-03. Review status: criteria provided, single submitter. Criteria: GeneDx Variant Classification Process June 2021. Collection method: clinical testing. Allele origin: germline. Affected: yes.

Illumina Laboratory Services, Illumina
Classification: Likely benign for Peroxisome biogenesis disorder 7A (Zellweger). Last evaluated: 2018-01-12. Review status: criteria provided, single submitter. Criteria: ICSL Variant Classification Criteria 13 December 2019. Collection method: clinical testing. Allele origin: germline.
Comment: This variant was observed in the ICSL laboratory as part of a predisposition screen in an ostensibly healthy population. It had not been previously curated by ICSL or reported in the Human Gene Mutation Database (HGMD: prior to June 1st, 2018), and was therefore a candidate for classification through an automated scoring system. Utilizing variant allele frequency, disease prevalence and penetrance estimates, and inheritance mode, an automated score was calculated to assess if this variant is too frequent to cause the disease. Based on the score and internal cut-off values, a variant classified as likely benign is not then subjected to further curation. The score for this variant resulted in a classification of likely benign for this disease.

Breakthrough Genomics
Classification: Likely benign. Review status: criteria provided, single submitter. Criteria: ACMG Guidelines, 2015. Collection method: not provided. Allele origin: germline. Inheritance: Autosomal recessive inheritance. Affected: yes.